The following is an entry in ClinVar:

ClinVar aggregate classification (germline): Uncertain significance (1 of 4 stars; one submission).

Conditions:
CHARGE syndrome (CHARGE). Also called: Coloboma, heart anomaly, choanal atresia, retardation, genital and ear anomalies; CHARGE association; Hall-Hittner syndrome; Hittner Hirsch Kreh syndrome; CHARGE ASSOCIATION--COLOBOMA, HEART ANOMALY, CHOANAL ATRESIA, RETARDATION, GENITAL AND EAR ANOMALIES. Identifiers: Orphanet 138, MedGen C0265354, MONDO:0008965.

Submission:

Labcorp Genetics (formerly Invitae), Labcorp
Classification: Uncertain significance for CHARGE syndrome. Last evaluated: 2018-12-05. Review status: criteria provided, single submitter. Criteria: Invitae Variant Classification Sherloc (09022015). Collection method: clinical testing. Allele origin: germline.
Comment: This variant is not present in population databases (ExAC no frequency). This variant has not been reported in the literature in individuals with CHD7-related conditions. This sequence change replaces arginine with tryptophan at codon 1359 of the CHD7 protein (p.Arg1359Trp). The arginine residue is highly conserved and there is a moderate physicochemical difference between arginine and tryptophan. Algorithms developed to predict the effect of missense changes on protein structure and function (SIFT, PolyPhen-2, Align-GVGD) all suggest that this variant is likely to be disruptive, but these predictions have not been confirmed by published functional studies and their clinical significance is uncertain. In summary, the available evidence is currently insufficient to determine the role of this variant in disease. Therefore, it has been classified as a Variant of Uncertain Significance.

NM_017780.4(CHD7):c.4075A>T (p.Arg1359Trp)

Gene: CHD7 (chromodomain helicase DNA binding protein 7; plus strand). Cytogenetic location: 8q12.2.
Variant type: single nucleotide variant.
Coding change: c.4075A>T on transcript NM_017780.4 (MANE Select); coding-DNA position 4075, A replaced by T.
Protein change: p.Arg1359Trp; replaces arginine 1359 with tryptophan.
Molecular consequence: missense variant. On other transcripts: intron variant (1).
Genome position (GRCh38, 1-based): chr8:60,836,902, A>T. VCF-style: chr8-60836902-A-T. GRCh37 (hg19) VCF-style: chr8-61749461-A-T.
Other names: c.1717-25327A>T (NM_001316690.1); short protein forms R1359W.
Identifiers: ClinVar variation 639156 (VCV000639156.8), dbSNP rs1586417903, ClinGen allele CA371316753.